The following is an entry in ClinVar:

NM_001394062.1(MACF1):c.11005G>A (p.Ala3669Thr)

Gene: MACF1 (microtubule actin crosslinking factor 1; plus strand). Cytogenetic location: 1p34.3.
Variant type: single nucleotide variant.
Coding change: c.11005G>A on transcript NM_001394062.1 (MANE Select); coding-DNA position 11005, G replaced by A.
Protein change: p.Ala3669Thr; replaces alanine 3669 with threonine.
Molecular consequence: missense variant.
Genome position (GRCh38, 1-based): chr1:39,350,824, G>A. VCF-style: chr1-39350824-G-A. GRCh37 (hg19) VCF-style: chr1-39816496-G-A.
Other names: c.4819G>A, p.Ala1607Thr (NM_012090.5); short protein forms A3669T, A1607T.
Identifiers: ClinVar variation 3682124 (VCV003682124.2).

ClinVar aggregate classification (germline): Uncertain significance (1 of 4 stars; one submission).

gnomAD v4.1: 2 of 1,613,986 alleles (0.00012%); highest among the groups gnomAD compares: African/African-American, 0.0027%; no homozygotes.

Submission:

Labcorp Genetics (formerly Invitae), Labcorp
Classification: Uncertain significance. Last evaluated: 2024-03-27. Review status: criteria provided, single submitter. Criteria: Invitae Variant Classification Sherloc (09022015). Collection method: clinical testing. Allele origin: germline.
Comment: This sequence change replaces alanine, which is neutral and non-polar, with threonine, which is neutral and polar, at codon 1607 of the MACF1 protein (p.Ala1607Thr). This variant is not present in population databases (gnomAD no frequency). This variant has not been reported in the literature in individuals affected with MACF1-related conditions. Algorithms developed to predict the effect of missense changes on protein structure and function output the following: SIFT: "Not Available"; PolyPhen-2: "Benign"; Align-GVGD: "Not Available". The threonine amino acid residue is found in multiple mammalian species, which suggests that this missense change does not adversely affect protein function. In summary, the available evidence is currently insufficient to determine the role of this variant in disease. Therefore, it has been classified as a Variant of Uncertain Significance.